The following is an entry in ClinVar:

ClinVar aggregate classification (germline): Uncertain significance (1 of 4 stars; one submission).

Submission:

Labcorp Genetics (formerly Invitae), Labcorp
Classification: Uncertain significance. Last evaluated: 2025-11-17. Review status: criteria provided, single submitter. Criteria: Invitae Variant Classification Sherloc (09022015). Collection method: clinical testing. Allele origin: germline.
Comment: This sequence change replaces lysine, which is basic and polar, with glutamic acid, which is acidic and polar, at codon 857 of the SMARCA2 protein (p.Lys857Glu). This variant is not present in population databases (gnomAD no frequency). This variant has not been reported in the literature in individuals affected with SMARCA2-related conditions. ClinVar contains an entry for this variant (Variation ID: 2704414). Invitae Evidence Modeling of protein sequence and biophysical properties (such as structural, functional, and spatial information, amino acid conservation, physicochemical variation, residue mobility, and thermodynamic stability) indicates that this missense variant is expected to disrupt SMARCA2 protein function with a positive predictive value of 80%. In summary, the available evidence is currently insufficient to determine the role of this variant in disease. Therefore, it has been classified as a Variant of Uncertain Significance.

NM_003070.5(SMARCA2):c.2569A>G (p.Lys857Glu)

Gene: SMARCA2 (SWI/SNF related BAF chromatin remodeling complex subunit ATPase 2; plus strand). Cytogenetic location: 9p24.3.
Variant type: single nucleotide variant.
Coding change: c.2569A>G on transcript NM_003070.5 (MANE Select); coding-DNA position 2569, A replaced by G.
Protein change: p.Lys857Glu; replaces lysine 857 with glutamic acid.
Molecular consequence: missense variant.
Genome position (GRCh38, 1-based): chr9:2,086,871, A>G. VCF-style: chr9-2086871-A-G. GRCh37 (hg19) VCF-style: chr9-2086871-A-G.
Other names: c.2569A>G, p.Lys857Glu (NM_001289396.2, NM_001289397.2, NM_139045.4); short protein forms K857E.
Identifiers: ClinVar variation 2704414 (VCV002704414.3), dbSNP rs2537344224, ClinGen allele CA372784884.